The following is an entry in ClinVar:

NM_004006.3(DMD):c.5431del (p.Asp1811fs)

Gene: DMD (dystrophin; minus strand). Cytogenetic location: Xp21.1.
Variant type: Deletion.
Coding change: c.5431del on transcript NM_004006.3 (MANE Select); coding-DNA position 5431, one base deleted (G; older notation c.5431delG).
Protein change: p.Asp1811fs; shifts the reading frame from aspartic acid 1811.
Molecular consequence: frameshift variant.
Genome position (GRCh38, 1-based): chrX:32,348,423, C deleted on the plus strand (G on the coding strand, the reverse complement: DMD is on the minus strand). VCF-style (leftmost placement, unchanged base first): chrX-32348422-TC-T. GRCh37 (hg19) VCF-style: chrX-32366539-TC-T.
Other names: c.5407del, p.Asp1803fs (NM_000109.4); c.5419del, p.Asp1807fs (NM_004009.3); c.5062del, p.Asp1688fs (NM_004010.3); c.1408del, p.Asp470fs (NM_004011.4); c.1399del, p.Asp467fs (NM_004012.4); short protein forms D1807fs, D470fs, D1803fs, D1811fs, D467fs, D1688fs.
Identifiers: ClinVar variation 4727796 (VCV004727796.1).

ClinVar aggregate classification (germline): Pathogenic (1 of 4 stars; one submission).

Conditions:
Duchenne muscular dystrophy (DMD). Also called: MUSCULAR DYSTROPHY, PSEUDOHYPERTROPHIC PROGRESSIVE, DUCHENNE TYPE; Duchenne Muscular Dystrophy (DMD). Identifiers: Orphanet 98896, MedGen C0013264, MONDO:0010679, OMIM 310200.

Submission:

Labcorp Genetics (formerly Invitae), Labcorp
Classification: Pathogenic for Duchenne muscular dystrophy. Last evaluated: 2025-09-24. Review status: criteria provided, single submitter. Criteria: Invitae Variant Classification Sherloc (09022015). Collection method: clinical testing. Allele origin: germline.
Comment: This sequence change creates a premature translational stop signal (p.Asp1811Thrfs*6) in the DMD gene. It is expected to result in an absent or disrupted protein product. Loss-of-function variants in DMD are known to be pathogenic (PMID: 16770791, 25007885). This variant is not present in population databases (gnomAD no frequency). This variant has not been reported in the literature in individuals affected with DMD-related conditions. For these reasons, this variant has been classified as Pathogenic.

Literature cited by the submitters: PubMed 16770791; PubMed 25007885.